The following is an entry in ClinVar:

NM_138387.4(G6PC3):c.145G>T (p.Ala49Ser)

Genes: G6PC3 (glucose-6-phosphatase catalytic subunit 3; plus strand), LOC130060959 (ATAC-STARR-seq lymphoblastoid active region 12250; plus strand). Cytogenetic location: 17q21.31.
Variant type: single nucleotide variant.
Coding change: c.145G>T on transcript NM_138387.4 (MANE Select); coding-DNA position 145, G replaced by T.
Protein change: p.Ala49Ser; replaces alanine 49 with serine.
Molecular consequence: missense variant. On other transcripts: 5 prime UTR variant (3), intron variant (1).
Genome position (GRCh38, 1-based): chr17:44,071,110, G>T. VCF-style: chr17-44071110-G-T. GRCh37 (hg19) VCF-style: chr17-42148478-G-T.
Other names: c.145G>T, p.Ala49Ser (NM_001319945.2); c.-260G>T (NM_001384165.1); c.-395G>T (NM_001384166.1); c.-385G>T (NM_001384167.1); c.-312+396G>T (NM_001384168.1); short protein forms A49S.
Identifiers: ClinVar variation 4027580 (VCV004027580.1).

ClinVar aggregate classification (germline): Uncertain significance (1 of 4 stars; one submission).

Conditions:
Inborn genetic diseases. Identifiers: MedGen C0950123, MeSH D030342.

Submission:

Ambry Genetics
Classification: Uncertain significance for Inborn genetic diseases. Last evaluated: 2025-04-12. Review status: criteria provided, single submitter. Criteria: Ambry Variant Classification Scheme 2023. Collection method: clinical testing. Allele origin: germline.
Comment: The p.A49S variant (also known as c.145G>T), located in coding exon 1 of the G6PC3 gene, results from a G to T substitution at nucleotide position 145. The alanine at codon 49 is replaced by serine, an amino acid with similar properties. This amino acid position is conserved. In addition, this alteration is predicted to be tolerated by in silico analysis. Based on the available evidence, the clinical significance of this variant remains unclear.